The following is an entry in ClinVar:

NM_000535.7(PMS2):c.1122G>T (p.Gln374His)

Gene: PMS2 (PMS1 homolog 2, mismatch repair system component; minus strand). Cytogenetic location: 7p22.1.
Variant type: single nucleotide variant.
Coding change: c.1122G>T on transcript NM_000535.7 (MANE Select); coding-DNA position 1122, G replaced by T.
Protein change: p.Gln374His; replaces glutamine 374 with histidine.
Molecular consequence: missense variant. On other transcripts: non-coding transcript variant (1), intron variant (10).
Genome position (GRCh38, 1-based): chr7:5,989,822, C>A on the plus strand (G>T on the coding strand, the complement: PMS2 is on the minus strand). VCF-style: chr7-5989822-C-A. GRCh37 (hg19) VCF-style: chr7-6029453-C-A.
Other names: c.717G>T, p.Gln239His (NM_001018040.1, NM_001322003.2, NM_001322004.2 and 17 more transcripts); c.804G>T, p.Gln268His (NM_001322007.2, NM_001322008.2, NM_001406876.1 and 2 more transcripts); c.189G>T, p.Gln63His (NM_001322011.2, NM_001322012.2); c.549G>T, p.Gln183His (NM_001322013.2, NM_001406909.1); c.1122G>T, p.Gln374His (NM_001322014.2, NM_001406871.1, NM_001406872.1); c.813G>T, p.Gln271His (NM_001322015.2, NM_001406875.1, NM_001406877.1 and 5 more transcripts); c.1308G>T, p.Gln436His (NM_001406866.1); c.1146G>T, p.Gln382His (NM_001406868.1); and 13 more; short protein forms Q203H, Q252H, Q262H, Q271H, Q308H, Q374H, Q382H, Q436H.
Identifiers: ClinVar variation 2566065 (VCV002566065.2), dbSNP rs771748182, ClinGen allele CA366742761.

ClinVar aggregate classification (germline): Uncertain significance (1 of 4 stars; one submission).

Conditions:
Hereditary cancer-predisposing syndrome. Also called: Neoplastic Syndromes, Hereditary; Hereditary Cancer Syndrome; Hereditary neoplastic syndrome; Tumor predisposition. Identifiers: Orphanet 140162, MedGen C0027672, MeSH D009386, MONDO:0015356.

Submission:

Ambry Genetics
Classification: Uncertain significance for Hereditary cancer-predisposing syndrome. Last evaluated: 2023-03-17. Review status: criteria provided, single submitter. Criteria: Ambry Variant Classification Scheme 2023. Collection method: clinical testing. Allele origin: germline.
Comment: The p.Q374H variant (also known as c.1122G>T), located in coding exon 10 of the PMS2 gene, results from a G to T substitution at nucleotide position 1122. The glutamine at codon 374 is replaced by histidine, an amino acid with highly similar properties. This amino acid position is conserved. In addition, the in silico prediction for this alteration is inconclusive. Since supporting evidence is limited at this time, the clinical significance of this alteration remains unclear.